The following is an entry in ClinVar:

ClinVar aggregate classification (germline): Likely benign. Review status: criteria provided, multiple submitters, no conflicts (2 of 4 stars). 4 submissions from 4 submitters: Likely benign (4). Last evaluated 2025-09-16.

Conditions:
MYO7A-related disorder. Also called: MYO7A-related disorders.

Allele frequency attached by ClinVar (database versions not stated): gnomAD exomes 0.00003 and 0.00001; ExAC 0.00004; TOPMed 0.00005.

Submissions (4):

Labcorp Genetics (formerly Invitae), Labcorp
Classification: Likely benign. Last evaluated: 2025-09-16. Review status: criteria provided, single submitter. Criteria: Invitae Variant Classification Sherloc (09022015). Collection method: clinical testing. Allele origin: germline.

PreventionGenetics, part of Exact Sciences
Classification: Likely benign for MYO7A-related condition. Last evaluated: 2024-12-13. Review status: criteria provided, single submitter. Criteria: ACMG Guidelines, 2015. Collection method: clinical testing. Allele origin: germline.
Comment: This variant is classified as likely benign based on ACMG/AMP sequence variant interpretation guidelines (Richards et al. 2015 PMID: 25741868, with internal and published modifications).

Blueprint Genetics
Classification: Likely benign. Last evaluated: 2022-09-09. Review status: criteria provided, single submitter. Criteria: ACMG Guidelines, 2015. Collection method: clinical testing. Allele origin: germline.

ARUP Laboratories, Molecular Genetics and Genomics, ARUP Laboratories
Classification: Likely benign. Last evaluated: 2020-04-17. Review status: criteria provided, single submitter. Criteria: ARUP Molecular Germline Variant Investigation Process. Collection method: clinical testing. Allele origin: germline.

NM_000260.4(MYO7A):c.2970C>T (p.Asp990=)

Gene: MYO7A (myosin VIIA; plus strand). Cytogenetic location: 11q13.5.
Variant type: single nucleotide variant.
Coding change: c.2970C>T on transcript NM_000260.4 (MANE Select); coding-DNA position 2970, C replaced by T.
Protein change: p.Asp990=; no amino-acid change (aspartic acid 990 retained).
Molecular consequence: synonymous variant.
Genome position (GRCh38, 1-based): chr11:77,182,016, C>T. VCF-style: chr11-77182016-C-T. GRCh37 (hg19) VCF-style: chr11-76893062-C-T.
Other names: c.2970C>T, p.Asp990= (NM_001127180.2); c.2937C>T, p.Asp979= (NM_001369365.1); c.2970C>T (NM_000260.3).
Identifiers: ClinVar variation 994101 (VCV000994101.19), dbSNP rs782703928, ClinGen allele CA6197988.
Genomic context (GRCh38, chr11:77,182,016, plus strand): 5'-GGAGCGAGGGCGGAGGGAGATGGTGGAGGAGGACCTGGATGCAGCCCTGCCCCTGCCTGA[C>T]GAGGATGAGGAGGACCTCTCTGAGTATAAATTTGCCAAGTTCGCGGCCACCTACTTCCAG-3'
Protein context (NP_000251.3, residues 980-1000): EDLDAALPLP[Asp990=]EDEEDLSEYK